The following is an entry in ClinVar:

ClinVar aggregate classification (germline): Uncertain significance. Review status: criteria provided, multiple submitters, no conflicts (2 of 4 stars). 3 submissions from 3 submitters: Uncertain significance (2). 1 of the submissions does not count toward it. Last evaluated 2024-08-27.

Conditions:
Nemaline myopathy 2 (NEM2). Also called: Nemaline myopathy 2, autosomal recessive. Identifiers: MedGen C1850569, MONDO:0009725, OMIM 256030.

Allele frequency attached by ClinVar (database versions not stated): gnomAD exomes 0.00001; ExAC 0.00003; TOPMed 0.00004; gnomAD 0.00005; ESP Exome Variant Server 0.00008.
gnomAD v4.1: 26 of 1,547,914 alleles (0.0017%); highest among the groups gnomAD compares: Non-Finnish European, 0.002%; no homozygotes.

Submissions (3):

Labcorp Genetics (formerly Invitae), Labcorp
Classification: Uncertain significance for Nemaline myopathy 2. Last evaluated: 2024-08-27. Review status: criteria provided, single submitter. Criteria: Invitae Variant Classification Sherloc (09022015). Collection method: clinical testing. Allele origin: germline.
Comment: This sequence change falls in intron 119 of the NEB gene. It does not directly change the encoded amino acid sequence of the NEB protein. It affects a nucleotide within the consensus splice site. This variant is present in population databases (rs370200484, gnomAD 0.006%). This variant has not been reported in the literature in individuals affected with NEB-related conditions. ClinVar contains an entry for this variant (Variation ID: 566901). Variants that disrupt the consensus splice site are a relatively common cause of aberrant splicing (PMID: 17576681, 9536098). Algorithms developed to predict the effect of sequence changes on RNA splicing suggest that this variant is not likely to affect RNA splicing. In summary, the available evidence is currently insufficient to determine the role of this variant in disease. Therefore, it has been classified as a Variant of Uncertain Significance.

Revvity Omics, Revvity
Classification: Uncertain significance. Last evaluated: 2021-12-18. Review status: criteria provided, single submitter. Criteria: ACMG Guidelines, 2015. Collection method: clinical testing. Allele origin: germline.

Natera, Inc.
Classification: Uncertain significance for Nemaline myopathy type 2. Last evaluated: 2019-11-11. Review status: no assertion criteria provided. Collection method: clinical testing. Allele origin: germline. Not counted in ClinVar's aggregate classification.

Literature cited by the submitters: PubMed 17576681 (cited by Labcorp Genetics (formerly Invitae), Labcorp); PubMed 9536098 (cited by Labcorp Genetics (formerly Invitae), Labcorp).

NM_001164508.2(NEB):c.18694-3T>C

Gene: NEB (nebulin; minus strand). Cytogenetic location: 2q23.3.
Variant type: single nucleotide variant.
Coding change: c.18694-3T>C on transcript NM_001164508.2 (MANE Select); 3 bases into the intron before coding-DNA position 18694, T replaced by C.
Molecular consequence: intron variant.
Genome position (GRCh38, 1-based): chr2:151,562,811, A>G on the plus strand (T>C on the coding strand, the complement: NEB is on the minus strand). VCF-style: chr2-151562811-A-G. GRCh37 (hg19) VCF-style: chr2-152419325-A-G.
Other names: c.13591-3T>C (NM_004543.5); c.18694-3T>C (NM_001164507.2, NM_001271208.2).
Identifiers: ClinVar variation 566901 (VCV000566901.11), dbSNP rs370200484, ClinGen allele CA1907869.